The following is an entry in ClinVar:

NM_000975.5(RPL11):c.96_109del (p.Arg32fs)

Gene: RPL11 (ribosomal protein L11; plus strand). Cytogenetic location: 1p36.11.
Variant type: Deletion.
Coding change: c.96_109del on transcript NM_000975.5 (MANE Select); coding-DNA positions 96 to 109, 14 bases deleted (ACTGACGCGAGCAG).
Protein change: p.Arg32fs; shifts the reading frame from arginine 32.
Molecular consequence: frameshift variant.
Genome position (GRCh38, 1-based): chr1:23,692,698-23,692,711, ACTGACGCGAGCAG deleted; deleting any 14 consecutive bases within chr1:23,692,695-23,692,711 gives the same sequence; the c. name uses the placement nearest the transcript's 3' end. VCF-style (leftmost placement, unchanged base first): chr1-23692694-ACAGACTGACGCGAG-A. GRCh37 (hg19) VCF-style: chr1-24019184-ACAGACTGACGCGAG-A.
Other names: c.93_106del, p.Arg31fs (NM_001199802.1); short protein forms R32fs, R31fs.
Identifiers: ClinVar variation 2010907 (VCV002010907.4), dbSNP rs2523395100, ClinGen allele CA2580061504.
Genomic context (GRCh38, chr1:23,692,694, plus strand): 5'-CCATGCGGGAACTTCGCATCCGCAAACTCTGTCTCAACATCTGTGTTGGGGAGAGTGGAG[ACAGACTGACGCGAG>A]CAGCCAAGGTGTTGGAGCAGCTCACAGGGCAGACCCCTGTGTTTTCCAAAGGTGAGTAGT-3'

ClinVar aggregate classification (germline): Pathogenic (1 of 4 stars; one submission).

Conditions:
Diamond-Blackfan anemia. Also called: Blackfan Diamond syndrome; Aregenerative anemia chronic congenital; Red cell aplasia, pure hereditary; Congenital hypoplastic anemia; Aase syndrome. Identifiers: Orphanet 124, MedGen C1260899, MeSH D029503, MONDO:0015253, HP:0004810.

Submission:

Labcorp Genetics (formerly Invitae), Labcorp
Classification: Pathogenic for Diamond-Blackfan anemia. Last evaluated: 2022-06-26. Review status: criteria provided, single submitter. Criteria: Invitae Variant Classification Sherloc (09022015). Collection method: clinical testing. Allele origin: germline.
Comment: This sequence change creates a premature translational stop signal (p.Arg32Serfs*18) in the RPL11 gene. It is expected to result in an absent or disrupted protein product. Loss-of-function variants in RPL11 are known to be pathogenic (PMID: 19061985, 19773262). This variant is not present in population databases (gnomAD no frequency). This variant has not been reported in the literature in individuals affected with RPL11-related conditions. For these reasons, this variant has been classified as Pathogenic.

Literature cited by the submitters: PubMed 19061985; PubMed 19773262.